The following is an entry in ClinVar:

NM_000057.4(BLM):c.2899C>T (p.Pro967Ser)

Gene: BLM (BLM RecQ like helicase; plus strand). Cytogenetic location: 15q26.1.
Variant type: single nucleotide variant.
Coding change: c.2899C>T on transcript NM_000057.4 (MANE Select); coding-DNA position 2899, C replaced by T.
Protein change: p.Pro967Ser; replaces proline 967 with serine.
Molecular consequence: missense variant.
Genome position (GRCh38, 1-based): chr15:90,790,724, C>T. VCF-style: chr15-90790724-C-T. GRCh37 (hg19) VCF-style: chr15-91333954-C-T.
Other names: c.2899C>T, p.Pro967Ser (NM_001287246.2, NM_001287247.2); c.1774C>T, p.Pro592Ser (NM_001287248.2); short protein forms P592S, P967S.
Identifiers: ClinVar variation 1797380 (VCV001797380.3), dbSNP rs1896884343, ClinGen allele CA393846372.

ClinVar aggregate classification (germline): Uncertain significance (1 of 4 stars; one submission).

Conditions:
Hereditary cancer-predisposing syndrome. Also called: Tumor predisposition; Hereditary Cancer Syndrome; Neoplastic Syndromes, Hereditary; Hereditary neoplastic syndrome. Identifiers: Orphanet 140162, MedGen C0027672, MeSH D009386, MONDO:0015356.

Allele frequency attached by ClinVar (database versions not stated): gnomAD exomes below 0.00001.
gnomAD v4.1: 1 of 1,614,114 alleles (0.000062%); highest among the groups gnomAD compares: Non-Finnish European, 0.000085%; no homozygotes.

Submission:

Ambry Genetics
Classification: Uncertain significance for Hereditary cancer-predisposing syndrome. Last evaluated: 2024-12-20. Review status: criteria provided, single submitter. Criteria: Ambry Variant Classification Scheme 2023. Collection method: clinical testing. Allele origin: germline.
Comment: The p.P967S variant (also known as c.2899C>T), located in coding exon 14 of the BLM gene, results from a C to T substitution at nucleotide position 2899. The proline at codon 967 is replaced by serine, an amino acid with similar properties. This amino acid position is conserved. In addition, this alteration is predicted to be deleterious by in silico analysis. Since supporting evidence is limited at this time, the clinical significance of this alteration remains unclear.